The following is an entry in ClinVar:

NM_015040.4(PIKFYVE):c.1638G>T (p.Glu546Asp)

Gene: PIKFYVE (phosphoinositide kinase, FYVE-type zinc finger containing; plus strand). Cytogenetic location: 2q34.
Variant type: single nucleotide variant.
Coding change: c.1638G>T on transcript NM_015040.4 (MANE Select); coding-DNA position 1638, G replaced by T.
Protein change: p.Glu546Asp; replaces glutamic acid 546 with aspartic acid.
Molecular consequence: missense variant.
Genome position (GRCh38, 1-based): chr2:208,312,237, G>T. VCF-style: chr2-208312237-G-T. GRCh37 (hg19) VCF-style: chr2-209176961-G-T.
Other names: short protein forms E546D.
Identifiers: ClinVar variation 3655901 (VCV003655901.2).

ClinVar aggregate classification (germline): Uncertain significance (1 of 4 stars; one submission).

Submission:

Labcorp Genetics (formerly Invitae), Labcorp
Classification: Uncertain significance. Last evaluated: 2024-07-07. Review status: criteria provided, single submitter. Criteria: Invitae Variant Classification Sherloc (09022015). Collection method: clinical testing. Allele origin: germline.
Comment: This sequence change replaces glutamic acid, which is acidic and polar, with aspartic acid, which is acidic and polar, at codon 546 of the PIKFYVE protein (p.Glu546Asp). This variant is not present in population databases (gnomAD no frequency). This variant has not been reported in the literature in individuals affected with PIKFYVE-related conditions. An algorithm developed to predict the effect of missense changes on protein structure and function (PolyPhen-2) suggests that this variant is likely to be tolerated. In summary, the available evidence is currently insufficient to determine the role of this variant in disease. Therefore, it has been classified as a Variant of Uncertain Significance.